The following is an entry in ClinVar:

NM_000717.5(CA4):c.857C>T (p.Ala286Val)

Gene: CA4 (carbonic anhydrase 4; plus strand). Cytogenetic location: 17q23.1.
Variant type: single nucleotide variant.
Coding change: c.857C>T on transcript NM_000717.5 (MANE Select); coding-DNA position 857, C replaced by T.
Protein change: p.Ala286Val; replaces alanine 286 with valine.
Molecular consequence: missense variant. On other transcripts: non-coding transcript variant (1).
Genome position (GRCh38, 1-based): chr17:60,159,342, C>T. VCF-style: chr17-60159342-C-T. GRCh37 (hg19) VCF-style: chr17-58236703-C-T.
Other names: short protein forms A286V.
Identifiers: ClinVar variation 3726179 (VCV003726179.2).

ClinVar aggregate classification (germline): Uncertain significance (1 of 4 stars; one submission).

Submission:

Labcorp Genetics (formerly Invitae), Labcorp
Classification: Uncertain significance. Last evaluated: 2025-10-26. Review status: criteria provided, single submitter. Criteria: Invitae Variant Classification Sherloc (09022015). Collection method: clinical testing. Allele origin: germline.
Comment: This sequence change replaces alanine, which is neutral and non-polar, with valine, which is neutral and non-polar, at codon 286 of the CA4 protein (p.Ala286Val). This variant is not present in population databases (gnomAD no frequency). This variant has not been reported in the literature in individuals affected with CA4-related conditions. ClinVar contains an entry for this variant (Variation ID: 3726179). An algorithm developed to predict the effect of missense changes on protein structure and function (PolyPhen-2) suggests that this variant is likely to be tolerated. In summary, the available evidence is currently insufficient to determine the role of this variant in disease. Therefore, it has been classified as a Variant of Uncertain Significance.